The following is an entry in ClinVar:

ClinVar aggregate classification (germline): Uncertain significance. Review status: criteria provided, multiple submitters, no conflicts (2 of 4 stars). 2 submissions from 2 submitters: Uncertain significance (2). Last evaluated 2023-12-14.

Conditions:
Glaucoma 1, open angle, E. Identifiers: MedGen C1842026, MONDO:0007665.
Amyotrophic lateral sclerosis type 12 (ALS12). Also called: AMYOTROPHIC LATERAL SCLEROSIS 12 WITH OR WITHOUT FRONTOTEMPORAL DEMENTIA. Identifiers: Orphanet 803, MedGen C3150692, MONDO:0013264, OMIM 613435.
Primary open angle glaucoma (POAG). Also called: OPTN-related open angle glaucoma. Identifiers: MedGen C0339573, MONDO:0100553, OMIM 137760.

Allele frequency attached by ClinVar (database versions not stated): gnomAD exomes below 0.00001 and 0.00001; gnomAD 0.00003.
gnomAD v4.1: 11 of 1,613,676 alleles (0.00068%); highest among the groups gnomAD compares: South Asian, 0.012%; no homozygotes.

Submissions (2):

Labcorp Genetics (formerly Invitae), Labcorp
Classification: Uncertain significance for Primary open angle glaucoma; Glaucoma 1, open angle, E; Amyotrophic lateral sclerosis type 12. Last evaluated: 2023-12-14. Review status: criteria provided, single submitter. Criteria: Invitae Variant Classification Sherloc (09022015). Collection method: clinical testing. Allele origin: germline.
Comment: This sequence change replaces lysine, which is basic and polar, with glutamic acid, which is acidic and polar, at codon 489 of the OPTN protein (p.Lys489Glu). This variant is present in population databases (no rsID available, gnomAD 0.006%). This missense change has been observed in individuals with amyotrophic lateral sclerosis (PMID: 29895397; Invitae). ClinVar contains an entry for this variant (Variation ID: 1308455). Advanced modeling of protein sequence and biophysical properties (such as structural, functional, and spatial information, amino acid conservation, physicochemical variation, residue mobility, and thermodynamic stability) performed at Invitae indicates that this missense variant is expected to disrupt OPTN protein function with a positive predictive value of 80%. In summary, the available evidence is currently insufficient to determine the role of this variant in disease. Therefore, it has been classified as a Variant of Uncertain Significance.

GeneDx
Classification: Uncertain significance. Last evaluated: 2020-12-07. Review status: criteria provided, single submitter. Criteria: GeneDx Variant Classification Process June 2021. Collection method: clinical testing. Allele origin: germline. Affected: yes.
Comment: Previously reported in two unrelated individuals with sporadic ALS, and absent in 100 control individuals (Narain et al., 2018); Not observed at a significant frequency in large population cohorts (Lek et al., 2016); In silico analysis supports that this missense variant has a deleterious effect on protein structure/function; This variant is associated with the following publications: (PMID: 32293029, 29895397)

Literature cited by the submitters: PubMed 29895397 (cited by Labcorp Genetics (formerly Invitae), Labcorp).

NM_001008212.2(OPTN):c.1465A>G (p.Lys489Glu)

Gene: OPTN (optineurin; plus strand). Cytogenetic location: 10p13.
Variant type: single nucleotide variant.
Coding change: c.1465A>G on transcript NM_001008212.2 (MANE Select); coding-DNA position 1465, A replaced by G.
Protein change: p.Lys489Glu; replaces lysine 489 with glutamic acid.
Molecular consequence: missense variant.
Genome position (GRCh38, 1-based): chr10:13,132,130, A>G. VCF-style: chr10-13132130-A-G. GRCh37 (hg19) VCF-style: chr10-13174130-A-G.
Other names: c.1465A>G, p.Lys489Glu (NM_001008211.1, NM_001008213.1, NM_021980.4); short protein forms K489E.
Identifiers: ClinVar variation 1308455 (VCV001308455.6), dbSNP rs1363384405, ClinGen allele CA376030295.